The following is an entry in ClinVar:

NM_176824.3(BBS7):c.1497dup (p.Ile500fs)

Gene: BBS7 (Bardet-Biedl syndrome 7; minus strand). Cytogenetic location: 4q27.
Variant type: Duplication.
Coding change: c.1497dup on transcript NM_176824.3 (MANE Select); coding-DNA position 1497, one base duplicated (T; older notation c.1497dupT).
Protein change: p.Ile500fs; shifts the reading frame from isoleucine 500.
Molecular consequence: frameshift variant.
Genome position (GRCh38, 1-based): chr4:121,835,158, A duplicated on the plus strand (T on the coding strand, the reverse complement: BBS7 is on the minus strand); the first of 3 consecutive A bases (chr4:121,835,158-121,835,160); duplicating any one gives the same sequence. VCF-style (leftmost placement, unchanged base first): chr4-121835157-T-TA. GRCh37 (hg19) VCF-style: chr4-122756312-T-TA.
Other names: c.1497dup, p.Ile500fs (NM_018190.4); short protein forms I500fs.
Identifiers: ClinVar variation 2027540 (VCV002027540.4), dbSNP rs2476455936, ClinGen allele CA2580071432.

ClinVar aggregate classification (germline): Pathogenic (1 of 4 stars; one submission).

Conditions:
Bardet-Biedl syndrome (BBS). Identifiers: Orphanet 110, MedGen C0752166, MONDO:0015229.

Submission:

Labcorp Genetics (formerly Invitae), Labcorp
Classification: Pathogenic for Bardet-Biedl syndrome. Last evaluated: 2024-10-22. Review status: criteria provided, single submitter. Criteria: Invitae Variant Classification Sherloc (09022015). Collection method: clinical testing. Allele origin: germline.
Comment: This sequence change creates a premature translational stop signal (p.Ile500Tyrfs*2) in the BBS7 gene. It is expected to result in an absent or disrupted protein product. Loss-of-function variants in BBS7 are known to be pathogenic (PMID: 12567324, 19402160, 21209035, 31196119). This variant is not present in population databases (gnomAD no frequency). This variant has not been reported in the literature in individuals affected with BBS7-related conditions. ClinVar contains an entry for this variant (Variation ID: 2027540). For these reasons, this variant has been classified as Pathogenic.

Literature cited by the submitters: PubMed 12567324; PubMed 19402160; PubMed 21209035; PubMed 31196119.